The following is an entry in ClinVar:

NM_001854.4(COL11A1):c.2747G>A (p.Gly916Asp)

Gene: COL11A1 (collagen type XI alpha 1 chain; minus strand). Cytogenetic location: 1p21.1.
Variant type: single nucleotide variant.
Coding change: c.2747G>A on transcript NM_001854.4 (MANE Select); coding-DNA position 2747, G replaced by A.
Protein change: p.Gly916Asp; replaces glycine 916 with aspartic acid.
Molecular consequence: missense variant. On other transcripts: non-coding transcript variant (1).
Genome position (GRCh38, 1-based): chr1:102,978,715, C>T on the plus strand (G>A on the coding strand, the complement: COL11A1 is on the minus strand). VCF-style: chr1-102978715-C-T. GRCh37 (hg19) VCF-style: chr1-103444271-C-T.
Other names: c.2630G>A, p.Gly877Asp (NM_001190709.2); c.2783G>A, p.Gly928Asp (NM_080629.3); c.2399G>A, p.Gly800Asp (NM_080630.4); short protein forms G800D, G877D, G916D, G928D.
Identifiers: ClinVar variation 5008978 (VCV005008978.1).
Genomic context (GRCh38, chr1:102,978,715, plus strand): 5'-ACTTGCAGAAATACTAATTTTCATTTTATATTATGTGGCTGTATCATACGTACTCTTTCA[C>T]CTGGAGGGCCAGGAGGGCCATCGCCACCTGAAGTGCCCTGGCACCAAGAAAAGAAAAGAA-3'
Protein context (NP_001845.3, residues 906-926): SGGDGPPGPP[Gly916Asp]ERGPQGPQGP

ClinVar aggregate classification (germline): Uncertain significance (1 of 4 stars; one submission).

Submission:

GeneDx
Classification: Uncertain significance. Last evaluated: 2026-03-10. Review status: criteria provided, single submitter. Criteria: GeneDx Variant Classification Process June 2021. Collection method: clinical testing. Allele origin: germline.
Comment: Not observed at significant frequency in large population cohorts (gnomAD); In silico analysis supports that this missense variant has a deleterious effect on protein structure/function; Has not been previously published as pathogenic or benign to our knowledge